The following is an entry in ClinVar:

NM_000428.3(LTBP2):c.3553C>T (p.His1185Tyr)

Gene: LTBP2 (latent transforming growth factor beta binding protein 2; minus strand). Cytogenetic location: 14q24.3.
Variant type: single nucleotide variant.
Coding change: c.3553C>T on transcript NM_000428.3 (MANE Select); coding-DNA position 3553, C replaced by T.
Protein change: p.His1185Tyr; replaces histidine 1185 with tyrosine.
Molecular consequence: missense variant.
Genome position (GRCh38, 1-based): chr14:74,508,703, G>A on the plus strand (C>T on the coding strand, the complement: LTBP2 is on the minus strand). VCF-style: chr14-74508703-G-A. GRCh37 (hg19) VCF-style: chr14-74975406-G-A.
Other names: c.3553C>T (NM_000428.2); short protein forms H1185Y.
Identifiers: ClinVar variation 1387221 (VCV001387221.7), dbSNP rs145741930, ClinGen allele CA7269121.

ClinVar aggregate classification (germline): Conflicting classifications of pathogenicity. Review status: criteria provided, conflicting classifications (1 of 4 stars). 4 submissions from 4 submitters: Uncertain significance (3); Likely benign (1). Last evaluated 2026-05-06.

Conditions:
Inborn genetic diseases. Identifiers: MedGen C0950123, MeSH D030342.

Allele frequency attached by ClinVar (database versions not stated): gnomAD 0.00025 and 0.00026; 1000 Genomes Project 30x 0.00047; TOPMed 0.00030; ESP Exome Variant Server 0.00038; 1000 Genomes Project 0.00040.

Submissions (4):

GeneDx
Classification: Uncertain significance. Last evaluated: 2026-05-06. Review status: criteria provided, single submitter. Criteria: GeneDx Variant Classification Process June 2021. Collection method: clinical testing. Allele origin: germline.
Comment: In silico analysis suggests that this missense variant does not alter protein structure/function; Has not been previously published as pathogenic or benign to our knowledge

Blueprint Genetics
Classification: Uncertain significance. Last evaluated: 2023-08-23. Review status: criteria provided, single submitter. Criteria: ACMG Guidelines, 2015. Collection method: clinical testing. Allele origin: germline.

Labcorp Genetics (formerly Invitae), Labcorp
Classification: Uncertain significance. Last evaluated: 2022-08-10. Review status: criteria provided, single submitter. Criteria: Invitae Variant Classification Sherloc (09022015). Collection method: clinical testing. Allele origin: germline.
Comment: This sequence change replaces histidine, which is basic and polar, with tyrosine, which is neutral and polar, at codon 1185 of the LTBP2 protein (p.His1185Tyr). This variant is present in population databases (rs145741930, gnomAD 0.08%). This variant has not been reported in the literature in individuals affected with LTBP2-related conditions. ClinVar contains an entry for this variant (Variation ID: 1387221). Algorithms developed to predict the effect of missense changes on protein structure and function output the following: SIFT: "Tolerated"; PolyPhen-2: "Benign"; Align-GVGD: "Class C0". The tyrosine amino acid residue is found in multiple mammalian species, which suggests that this missense change does not adversely affect protein function. In summary, the available evidence is currently insufficient to determine the role of this variant in disease. Therefore, it has been classified as a Variant of Uncertain Significance.

Ambry Genetics
Classification: Likely benign for Inborn genetic diseases. Last evaluated: 2022-01-03. Review status: criteria provided, single submitter. Criteria: Ambry Variant Classification Scheme 2023. Collection method: clinical testing. Allele origin: germline.